The following is an entry in ClinVar:

ClinVar aggregate classification (germline): Pathogenic (1 of 4 stars; one submission).

Conditions:
Sialic acid storage disease, severe infantile type (ISSD). Also called: INFANTILE SIALIC ACID STORAGE DISORDER; N-ACETYLNEURAMINIC ACID STORAGE DISEASE; NANA STORAGE DISEASE; SIALURIA, INFANTILE FORM; Infantile Sialic Acid Storage Disease; Free sialic acid storage disease, infantile form. Identifiers: Orphanet 309324, Orphanet 834, MedGen C1096902, MONDO:0010027, OMIM 269920.

Submission:

Myriad Genetics, Inc.
Classification: Pathogenic for Sialic acid storage disease, severe infantile type. Last evaluated: 2025-12-13. Review status: criteria provided, single submitter. Criteria: Myriad Autosomal Dominant, Autosomal Recessive and X-Linked Classification Criteria (2023). Collection method: clinical testing. Allele origin: unknown.
Comment: NM_012434.4(SLC17A5):c.584delG(R195Kfs*17) is expected to be pathogenic in the context of free sialic acid storage disorders. This variant is predicted to lead to an abnormal or absent protein product due to the creation of a premature termination codon in SLC17A5, a gene where loss-of-function variants are known to be pathogenic. Please note: this variant was assessed in the context of healthy population screening.

NM_012434.5(SLC17A5):c.584del (p.Arg195fs)

Gene: SLC17A5 (solute carrier family 17 member 5; minus strand). Cytogenetic location: 6q13.
Variant type: Deletion.
Coding change: c.584del on transcript NM_012434.5 (MANE Select); coding-DNA position 584, one base deleted (G; older notation c.584delG).
Protein change: p.Arg195fs; shifts the reading frame from arginine 195.
Molecular consequence: frameshift variant.
Genome position (GRCh38, 1-based): chr6:73,638,441, C deleted on the plus strand (G on the coding strand, the reverse complement: SLC17A5 is on the minus strand). VCF-style (leftmost placement, unchanged base first): chr6-73638440-TC-T. GRCh37 (hg19) VCF-style: chr6-74348163-TC-T.
Other names: c.353del, p.Arg118fs (NM_001382629.1, NM_001382636.1); c.584del, p.Arg195fs (NM_001382630.1, NM_001382632.1, NM_001382633.1 and 2 more transcripts); c.605del, p.Arg202fs (NM_001382631.1); short protein forms R118fs, R195fs, R202fs.
Identifiers: ClinVar variation 5015318 (VCV005015318.1).